The following is an entry in ClinVar:

ClinVar aggregate classification (germline): Uncertain significance (1 of 4 stars; one submission).

Conditions:
Inborn genetic diseases. Identifiers: MedGen C0950123, MeSH D030342.

Allele frequency attached by ClinVar (database versions not stated): gnomAD exomes below 0.00001.
gnomAD v4.1: 2 of 1,591,728 alleles (0.00013%); highest among the groups gnomAD compares: African/African-American, 0.0013%; no homozygotes.

Submission:

Ambry Genetics
Classification: Uncertain significance for Inborn genetic diseases. Last evaluated: 2016-08-03. Review status: criteria provided, single submitter. Criteria: Ambry Variant Classification Scheme 2023. Collection method: clinical testing. Allele origin: germline.
Comment: The c.2535-2A>G intronic variant results from an A to G substitution two nucleotides upstream from coding exon 22 in the DNM1 gene. This variant was not reported in population based cohorts in the following databases: Database of Single Nucleotide Polymorphisms (dbSNP), NHLBI Exome Sequencing Project (ESP), and 1000 Genomes Project. In the ESP, this variant was not observed in 3722 samples (7444 alleles) with coverage at this position. This nucleotide position is well conserved in available vertebrate species. Using the BDGP and ESEfinder splice site prediction tools, this alteration is predicted to abolish the native splice acceptor site; however, direct evidence is unavailable. Alterations that disrupt the canonical splice site are expected to cause aberrant splicing, resulting in an abnormal protein or a transcript that is subject to nonsense-mediated mRNA decay. However, loss of function of DNM1 has not been clearly established as a mechanism of disease. Since supporting evidence is limited at this time, the clinical significance of this alteration remains unclear.

NM_004408.4(DNM1):c.2535-2A>G

Gene: DNM1 (dynamin 1; plus strand). Cytogenetic location: 9q34.11.
Variant type: single nucleotide variant.
Coding change: c.2535-2A>G on transcript NM_004408.4 (MANE Select); the canonical splice acceptor site of the intron before coding-DNA position 2535, A replaced by G.
Molecular consequence: splice acceptor variant. On other transcripts: 3 prime UTR variant (2).
Genome position (GRCh38, 1-based): chr9:128,254,652, A>G. VCF-style: chr9-128254652-A-G. GRCh37 (hg19) VCF-style: chr9-131016931-A-G.
Other names: c.*659A>G (NM_001288738.2); c.*574A>G (NM_001374269.1); c.*16-2A>G (NM_001005336.3, NM_001288737.2); c.2535-2A>G (NM_001288739.2).
Identifiers: ClinVar variation 588096 (VCV000588096.5), dbSNP rs1564358627, ClinGen allele CA375002937.